The following is an entry in ClinVar:

ClinVar aggregate classification (germline): Pathogenic/Likely pathogenic. Review status: criteria provided, multiple submitters, no conflicts (2 of 4 stars). 5 submissions from 5 submitters: Pathogenic (3); Likely pathogenic (2). Last evaluated 2025-06-06.

Conditions:
CLCN7-related disorder. Also called: CLCN7-related condition.
Autosomal recessive osteopetrosis 4. Also called: infantile malignant CLCN7-related recessive osteopetrosis; CLCN7-Related Osteopetrosis. Identifiers: Orphanet 667, MedGen C1969106, MONDO:0012676, OMIM 611490.
Autosomal dominant osteopetrosis 2. Also called: Autosomal Dominant Osteopetrosis Type II (ADOII); MARBLE BONES, AUTOSOMAL DOMINANT; OSTEOSCLEROSIS FRAGILIS GENERALISATA; ALBERS-SCHONBERG DISEASE, AUTOSOMAL DOMINANT; Osteopetroses; Marble bones. Identifiers: Orphanet 53, MedGen C3179239, MONDO:0008156, OMIM 166600.

Allele frequency attached by ClinVar (database versions not stated): ExAC 0.00001; gnomAD exomes 0.00001; TOPMed 0.00002; ESP Exome Variant Server 0.00008.
gnomAD v4.1: 12 of 1,610,182 alleles (0.00075%); highest among the groups gnomAD compares: African/African-American, 0.0013%; no homozygotes.

Submissions (5):

Labcorp Genetics (formerly Invitae), Labcorp
Classification: Pathogenic. Last evaluated: 2025-06-06. Review status: criteria provided, single submitter. Criteria: Invitae Variant Classification Sherloc (09022015). Collection method: clinical testing. Allele origin: germline.
Comment: This sequence change falls in intron 8 of the CLCN7 gene. It does not directly change the encoded amino acid sequence of the CLCN7 protein. RNA analysis indicates that this variant induces altered splicing and may result in an absent or altered protein product. This variant is present in population databases (rs371893553, gnomAD 0.008%). This variant has been observed in individual(s) with clinical features of autosomal recessive osteopetrosis (PMID: 29620724, 32552793, 32860008; internal data). In at least one individual the data is consistent with being in trans (on the opposite chromosome) from a pathogenic variant. ClinVar contains an entry for this variant (Variation ID: 1029299). Studies have shown that this variant results in retention of part of intron 8, and produces a non-functional protein and/or introduces a premature termination codon (PMID: 32552793). For these reasons, this variant has been classified as Pathogenic.

3billion
Classification: Pathogenic for Autosomal recessive osteopetrosis 4. Last evaluated: 2024-08-26. Review status: criteria provided, single submitter. Criteria: ACMG Guidelines, 2015. Collection method: clinical testing. Allele origin: germline. Affected: yes.
Comment: The variant is observed at an extremely low frequency in the gnomAD v4.0.0 dataset (total allele frequency: <0.001%). Predicted Consequence/Location: Intron variant: previously reported to alter splicing and result in a loss of normal protein function through nonsense-mediated decay (NMD) or protein truncation (PMID: 32552793). Intron variant: previously reported to alter splicing and result in a loss of normal protein function through nonsense-mediated decay (NMD) or protein truncation (PMID: 32552793). Therefore, this variant is classified as Pathogenic according to the recommendation of ACMG/AMP guideline.

Blueprint Genetics
Classification: Likely pathogenic for CLCN7-related disorders. Last evaluated: 2024-08-21. Review status: criteria provided, single submitter. Criteria: ACMG Guidelines, 2015. Collection method: clinical testing. Allele origin: germline. Affected: yes. Observed: 2 variant alleles.

Genomic Medicine Center of Excellence, King Faisal Specialist Hospital and Research Centre
Classification: Likely pathogenic for Autosomal recessive osteopetrosis 4. Last evaluated: 2024-03-17. Review status: criteria provided, single submitter. Criteria: ACMG Guidelines, 2015. Collection method: research. Allele origin: germline.

Baylor Genetics
Classification: Pathogenic for Autosomal dominant osteopetrosis 2. Review status: criteria provided, single submitter. Criteria: ACMG Guidelines, 2015. Collection method: clinical testing. Allele origin: unknown.

Literature cited by the submitters: PubMed 29620724 (cited by Labcorp Genetics (formerly Invitae), Labcorp and 3billion); PubMed 32552793 (cited by Labcorp Genetics (formerly Invitae), Labcorp and 3billion); PubMed 32860008 (cited by Labcorp Genetics (formerly Invitae), Labcorp).

NM_001287.6(CLCN7):c.739-18G>A

Gene: CLCN7 (Cl-/H+ antiporter 7; minus strand). Cytogenetic location: 16p13.3.
Variant type: single nucleotide variant.
Coding change: c.739-18G>A on transcript NM_001287.6 (MANE Select); 18 bases into the intron before coding-DNA position 739, G replaced by A.
Molecular consequence: intron variant.
Genome position (GRCh38, 1-based): chr16:1,457,355, C>T on the plus strand (G>A on the coding strand, the complement: CLCN7 is on the minus strand). VCF-style: chr16-1457355-C-T. GRCh37 (hg19) VCF-style: chr16-1507356-C-T.
Other names: c.667-18G>A (NM_001114331.3).
Identifiers: ClinVar variation 1029299 (VCV001029299.11), dbSNP rs371893553, ClinGen allele CA7810590.